The following is an entry in ClinVar:

NM_000246.4(CIITA):c.3025_3026delinsAA (p.Ala1009Asn)

Gene: CIITA (class II major histocompatibility complex transactivator; plus strand). Cytogenetic location: 16p13.13.
Variant type: Indel.
Coding change: c.3025_3026delinsAA on transcript NM_000246.4 (MANE Select); coding-DNA positions 3025 to 3026, GC replaced by AA.
Protein change: p.Ala1009Asn; replaces alanine 1009 with asparagine.
Molecular consequence: missense variant. On other transcripts: non-coding transcript variant (1).
Genome position (GRCh38, 1-based): chr16:10,916,422-10,916,423, GC replaced by AA. VCF-style: chr16-10916422-GC-AA. GRCh37 (hg19) VCF-style: chr16-11010279-GC-AA.
Other names: c.3028_3029delinsAA, p.Ala1010Asn (NM_001286402.1, NM_001379332.1); c.1273_1274delinsAA, p.Ala425Asn (NM_001286403.2); c.2881_2882delinsAA, p.Ala961Asn (NM_001379330.1); c.2878_2879delinsAA, p.Ala960Asn (NM_001379331.1); c.3025_3026delinsAA, p.Ala1009Asn (NM_001379333.1); c.2956_2957delinsAA, p.Ala986Asn (NM_001379334.1); c.3025_3026delGCinsAA (NM_000246.3); short protein forms A425N, A1009N, A1010N, A960N, A961N, A986N.
Identifiers: ClinVar variation 643796 (VCV000643796.8), dbSNP rs1596593191, ClinGen allele CA915946226.

ClinVar aggregate classification (germline): Uncertain significance (1 of 4 stars; one submission).

Conditions:
MHC class II deficiency. Also called: Bare lymphocyte syndrome 2; BLS, TYPE II. Identifiers: Orphanet 572, MedGen C5447452, MONDO:0008855.

Submission:

Labcorp Genetics (formerly Invitae), Labcorp
Classification: Uncertain significance for MHC class II deficiency. Last evaluated: 2022-05-27. Review status: criteria provided, single submitter. Criteria: Invitae Variant Classification Sherloc (09022015). Collection method: clinical testing. Allele origin: germline.
Comment: In summary, the available evidence is currently insufficient to determine the role of this variant in disease. Therefore, it has been classified as a Variant of Uncertain Significance. Algorithms developed to predict the effect of missense changes on protein structure and function are either unavailable or do not agree on the potential impact of this missense change (SIFT: "Not Available"; PolyPhen-2: "Possibly Damaging"; Align-GVGD: "Not Available"). ClinVar contains an entry for this variant (Variation ID: 643796). This variant has not been reported in the literature in individuals affected with CIITA-related conditions. Information on the frequency of this variant in the gnomAD database is not available, as this variant may be reported differently in the database. This sequence change replaces alanine, which is neutral and non-polar, with asparagine, which is neutral and polar, at codon 1009 of the CIITA protein (p.Ala1009Asn).